The following is an entry in ClinVar:

ClinVar aggregate classification (germline): Uncertain significance. Review status: criteria provided, multiple submitters, no conflicts (2 of 4 stars). 2 submissions from 2 submitters: Uncertain significance (2). Last evaluated 2025-08-20.

Conditions:
Inborn genetic diseases. Identifiers: MedGen C0950123, MeSH D030342.

Allele frequency attached by ClinVar (database versions not stated): gnomAD exomes 0.00001 and 0.00006; ExAC 0.00006; gnomAD 0.00012 and 0.00013; ESP Exome Variant Server 0.00015; TOPMed 0.00017; 1000 Genomes Project 0.00040; 1000 Genomes Project 30x 0.00078.
gnomAD v4.1: 39 of 1,613,894 alleles (0.0024%); highest among the groups gnomAD compares: African/African-American, 0.041%; no homozygotes.

Submissions (2):

Ambry Genetics
Classification: Uncertain significance for Inborn genetic diseases. Last evaluated: 2025-08-20. Review status: criteria provided, single submitter. Criteria: Ambry Variant Classification Scheme 2023. Collection method: clinical testing. Allele origin: germline.

Labcorp Genetics (formerly Invitae), Labcorp
Classification: Uncertain significance. Last evaluated: 2023-12-18. Review status: criteria provided, single submitter. Criteria: Invitae Variant Classification Sherloc (09022015). Collection method: clinical testing. Allele origin: germline.
Comment: This sequence change replaces isoleucine, which is neutral and non-polar, with valine, which is neutral and non-polar, at codon 46 of the GTF2H5 protein (p.Ile46Val). This variant is present in population databases (rs146093050, gnomAD 0.05%). This variant has not been reported in the literature in individuals affected with GTF2H5-related conditions. ClinVar contains an entry for this variant (Variation ID: 1398322). Algorithms developed to predict the effect of missense changes on protein structure and function output the following: SIFT: "Not Available"; PolyPhen-2: "Benign"; Align-GVGD: "Not Available". The valine amino acid residue is found in multiple mammalian species, which suggests that this missense change does not adversely affect protein function. In summary, the available evidence is currently insufficient to determine the role of this variant in disease. Therefore, it has been classified as a Variant of Uncertain Significance.

NM_207118.3(GTF2H5):c.136A>G (p.Ile46Val)

Gene: GTF2H5 (general transcription factor IIH subunit 5; plus strand). Cytogenetic location: 6q25.3.
Variant type: single nucleotide variant.
Coding change: c.136A>G on transcript NM_207118.3 (MANE Select); coding-DNA position 136, A replaced by G.
Protein change: p.Ile46Val; replaces isoleucine 46 with valine.
Molecular consequence: missense variant.
Genome position (GRCh38, 1-based): chr6:158,192,077, A>G. VCF-style: chr6-158192077-A-G. GRCh37 (hg19) VCF-style: chr6-158613109-A-G.
Other names: c.136A>G (NM_207118.2); short protein forms I46V.
Identifiers: ClinVar variation 1398322 (VCV001398322.7), dbSNP rs146093050, ClinGen allele CA4071609.